The following is an entry in ClinVar:

NM_001042492.3(NF1):c.3314+1del

Gene: NF1 (neurofibromin 1; plus strand). Cytogenetic location: 17q11.2.
Variant type: Deletion.
Coding change: c.3314+1del on transcript NM_001042492.3 (MANE Select); the canonical splice donor site of the intron after coding-DNA position 3314, one base deleted (G; older notation c.3314+1delG).
Molecular consequence: splice donor variant.
Genome position (GRCh38, 1-based): chr17:31,232,190, G deleted. VCF-style (leftmost placement, unchanged base first): chr17-31232189-AG-A. GRCh37 (hg19) VCF-style: chr17-29559207-AG-A.
Other names: c.3314+1del (NM_000267.4).
Identifiers: ClinVar variation 4720132 (VCV004720132.1).

ClinVar aggregate classification (germline): Likely pathogenic (1 of 4 stars; one submission).

Conditions:
Neurofibromatosis, type 1 (NF1). Also called: NEUROFIBROMATOSIS, TYPE I, SOMATIC; VON RECKLINGHAUSEN DISEASE; Peripheral type neurofibromatosis; Neurofibromatosis, type I. Identifiers: Orphanet 636, MedGen C0027831, MONDO:0018975, OMIM 162200. Disease mechanism: loss of function.

Submission:

Labcorp Genetics (formerly Invitae), Labcorp
Classification: Likely pathogenic for Neurofibromatosis, type 1. Last evaluated: 2025-12-02. Review status: criteria provided, single submitter. Criteria: Invitae Variant Classification Sherloc (09022015). Collection method: clinical testing. Allele origin: germline.
Comment: This sequence change affects a splice site in intron 25 of the NF1 gene. It is expected to disrupt RNA splicing. Variants that disrupt the donor or acceptor splice site typically lead to a loss of protein function (PMID: 16199547), and loss-of-function variants in NF1 are known to be pathogenic (PMID: 10712197, 23913538). This variant is not present in population databases (gnomAD no frequency). This variant has not been reported in the literature in individuals affected with NF1-related conditions. Algorithms developed to predict the effect of sequence changes on RNA splicing suggest that this variant may disrupt the consensus splice site. In summary, the currently available evidence indicates that the variant is pathogenic, but additional data are needed to prove that conclusively. Therefore, this variant has been classified as Likely Pathogenic.

Literature cited by the submitters: PubMed 16199547; PubMed 10712197; PubMed 23913538.